The following is an entry in ClinVar:

ClinVar aggregate classification (germline): Uncertain significance. Review status: criteria provided, multiple submitters, no conflicts (2 of 4 stars). 2 submissions from 2 submitters: Uncertain significance (2). Last evaluated 2024-11-08.

gnomAD v4.1: 22 of 1,612,800 alleles (0.0014%); highest among the groups gnomAD compares: Admixed American, 0.0067%; no homozygotes.

Submissions (2):

Ambry Genetics
Classification: Uncertain significance. Last evaluated: 2024-11-08. Review status: criteria provided, single submitter. Criteria: Ambry Variant Classification Scheme 2023. Collection method: clinical testing. Allele origin: germline.

Labcorp Genetics (formerly Invitae), Labcorp
Classification: Uncertain significance. Last evaluated: 2024-03-14. Review status: criteria provided, single submitter. Criteria: Invitae Variant Classification Sherloc (09022015). Collection method: clinical testing. Allele origin: germline.
Comment: This sequence change replaces proline, which is neutral and non-polar, with leucine, which is neutral and non-polar, at codon 302 of the SLC27A5 protein (p.Pro302Leu). This variant is present in population databases (rs781164987, gnomAD 0.007%). This variant has not been reported in the literature in individuals affected with SLC27A5-related conditions. An algorithm developed to predict the effect of missense changes on protein structure and function (PolyPhen-2) suggests that this variant is likely to be disruptive. In summary, the available evidence is currently insufficient to determine the role of this variant in disease. Therefore, it has been classified as a Variant of Uncertain Significance.

NM_012254.3(SLC27A5):c.905C>T (p.Pro302Leu)

Gene: SLC27A5 (solute carrier family 27 member 5; minus strand). Cytogenetic location: 19q13.43.
Variant type: single nucleotide variant.
Coding change: c.905C>T on transcript NM_012254.3 (MANE Select); coding-DNA position 905, C replaced by T.
Protein change: p.Pro302Leu; replaces proline 302 with leucine.
Molecular consequence: missense variant.
Genome position (GRCh38, 1-based): chr19:58,509,999, G>A on the plus strand (C>T on the coding strand, the complement: SLC27A5 is on the minus strand). VCF-style: chr19-58509999-G-A. GRCh37 (hg19) VCF-style: chr19-59021366-G-A.
Other names: c.653C>T, p.Pro218Leu (NM_001321196.2); short protein forms P302L, P218L.
Identifiers: ClinVar variation 3443701 (VCV003443701.3).